The following is an entry in ClinVar:

ClinVar aggregate classification (germline): Uncertain significance (1 of 4 stars; one submission).

Conditions:
Miyoshi muscular dystrophy 3 (MMD3). Also called: Miyoshi myopathy 3; Miyoshi Muscular Dystrophy 3 (MMD3). Identifiers: Orphanet 399096, MedGen C2750076, MONDO:0013222, OMIM 613319.
Autosomal recessive limb-girdle muscular dystrophy type 2L (LGMDR12). Also called: Limb-girdle muscular dystrophy, type 2L; MUSCULAR DYSTROPHY, LIMB-GIRDLE, AUTOSOMAL RECESSIVE 12; Limb-Girdle Muscular Dystrophy R12 Anoctamin-5-Related (LGMD-R12). Identifiers: Orphanet 206549, MedGen C1969785, MONDO:0012652, OMIM 611307.

Submission:

Human Genetics Bochum, Ruhr University Bochum
Classification: Uncertain significance for Miyoshi muscular dystrophy 3; Autosomal recessive limb-girdle muscular dystrophy type 2L. Last evaluated: 2024-10-30. Review status: criteria provided, single submitter. Criteria: ACMG Guidelines, 2015. Collection method: clinical testing. Allele origin: germline. Affected: yes.
Comment: in the homozygous state; ACMG criteria used to clasify this variant: PM4, PM1_SUP, PM2_SUP

NM_213599.3(ANO5):c.1570_1572del (p.Ile524del)

Gene: ANO5 (anoctamin 5; plus strand). Cytogenetic location: 11p14.3.
Variant type: Deletion.
Coding change: c.1570_1572del on transcript NM_213599.3 (MANE Select); coding-DNA positions 1570 to 1572, 3 bases deleted (ATT; older notation c.1570_1572delATT).
Protein change: p.Ile524del; deletes isoleucine 524.
Molecular consequence: intron variant (on NM_001441300.1).
Genome position (GRCh38, 1-based): chr11:22,259,681-22,259,683, ATT deleted; deleting any 3 consecutive bases within chr11:22,259,679-22,259,683 gives the same sequence; the c. name uses the placement nearest the transcript's 3' end. VCF-style (leftmost placement, unchanged base first): chr11-22259678-TTTA-T. GRCh37 (hg19) VCF-style: chr11-22281224-TTTA-T.
Other names: c.1567_1569del, p.Ile523del (NM_001142649.2); c.1528_1530del, p.Ile510del (NM_001410963.1); c.1525_1527del, p.Ile509del (NM_001410964.1); c.1492_1494del, p.Ile498del (NM_001441294.1); c.1489_1491del, p.Ile497del (NM_001441295.1); c.1477_1479del, p.Ile493del (NM_001441296.1); c.1450_1452del, p.Ile484del (NM_001441297.1); c.1414_1416del, p.Ile472del (NM_001441298.1); and 4 more; short protein forms I471del, I472del, I484del, I493del, I497del, I498del, I509del, I510del.
Identifiers: ClinVar variation 4688007 (VCV004688007.1).